The following is an entry in ClinVar:

NM_001386393.1(PANK2):c.780A>G (p.Glu260=)

Gene: PANK2 (pantothenate kinase 2; plus strand). Cytogenetic location: 20p13.
Variant type: single nucleotide variant.
Coding change: c.780A>G on transcript NM_001386393.1 (MANE Select); coding-DNA position 780, A replaced by G.
Protein change: p.Glu260=; no amino-acid change (glutamic acid 260 retained).
Molecular consequence: synonymous variant. On other transcripts: 5 prime UTR variant (1), non-coding transcript variant (1).
Genome position (GRCh38, 1-based): chr20:3,910,705, A>G. VCF-style: chr20-3910705-A-G. GRCh37 (hg19) VCF-style: chr20-3891352-A-G.
Other names: p.Glu370=; c.237A>G, p.Glu79= (NM_001324191.2, NM_024960.6, NM_153640.4); c.-199A>G (NM_001324193.2); c.1110A>G, p.Glu370= (NM_153638.4); c.1110A>G (NM_153638.3).
Identifiers: ClinVar variation 288378 (VCV000288378.16), dbSNP rs375501114, ClinGen allele CA9750769.
Genomic context (GRCh38, chr20:3,910,705, plus strand): 5'-CTCAGTCGGATTCAATGGACGGTCACAGTGCTATTACTTTGAAAACCCTGCTGATTCTGA[A>G]AAGTGTCAGAAGTTACCATTTGATTTGAAAAATCCGTATCCTCTGCTTCTGGTGAACATT-3'
Protein context (NP_001373322.1, residues 250-270): CYYFENPADS[Glu260=]KCQKLPFDLK

ClinVar aggregate classification (germline): Conflicting classifications of pathogenicity. Review status: criteria provided, conflicting classifications (1 of 4 stars). 5 submissions from 5 submitters: Uncertain significance (1); Benign (1); Likely benign (3). Last evaluated 2026-01-20.

Conditions:
Pigmentary pallidal degeneration (NBIA1). Also called: Neuroaxonal dystrophy, late infantile; Hallervorden-Spatz disease; Neurodegeneration with brain iron accumulation 1; PKAN NEUROAXONAL DYSTROPHY, JUVENILE-ONSET; HARP SYNDROME; Pantothenate Kinase-Associated Neurodegeneration. Identifiers: Orphanet 157850, MedGen C0018523, MONDO:0009319, OMIM 234200.

Allele frequency attached by ClinVar (database versions not stated): ESP Exome Variant Server 0.00008; gnomAD exomes 0.00012 and 0.00019; ExAC 0.00014; gnomAD 0.00023 and 0.00026; TOPMed 0.00037.
gnomAD v4.1: 223 of 1,614,188 alleles (0.014%); highest among the groups gnomAD compares: Admixed American, 0.11%; no homozygotes.

Submissions (5):

Labcorp Genetics (formerly Invitae), Labcorp
Classification: Likely benign for Pigmentary pallidal degeneration. Last evaluated: 2026-01-20. Review status: criteria provided, single submitter. Criteria: Invitae Variant Classification Sherloc (09022015). Collection method: clinical testing. Allele origin: germline.

Mayo Clinic Laboratories, Mayo Clinic
Classification: Likely benign. Last evaluated: 2025-10-22. Review status: criteria provided, single submitter. Criteria: ACMG Guidelines, 2015. Collection method: clinical testing. Allele origin: germline. Observed: 2 variant alleles.
Comment: BP4, BP7

Athena Diagnostics
Classification: Benign. Last evaluated: 2025-04-17. Review status: criteria provided, single submitter. Criteria: Athena Diagnostics Criteria. Collection method: clinical testing. Allele origin: unknown.
Comment: The frequency of this variant in the general population is higher than would generally be expected for pathogenic variants in this gene. Computational tools yielded predictions that this variant is unlikely to have an effect on normal RNA splicing. This nucleotide position exhibits low evolutionary conservation.

Blueprint Genetics
Classification: Likely benign. Last evaluated: 2023-12-18. Review status: criteria provided, single submitter. Criteria: ACMG Guidelines, 2015. Collection method: clinical testing. Allele origin: germline.

Eurofins Ntd Llc (ga)
Classification: Uncertain significance. Last evaluated: 2016-07-05. Review status: criteria provided, single submitter. Criteria: EGL Classification Definitions 2015. Collection method: clinical testing. Allele origin: germline. Observed: 1 variant allele, 1 heterozygote.